The following is an entry in ClinVar:

NM_203447.4(DOCK8):c.3340dup (p.Met1114fs)

Gene: DOCK8 (dedicator of cytokinesis 8; plus strand). Cytogenetic location: 9p24.3.
Variant type: Duplication.
Coding change: c.3340dup on transcript NM_203447.4 (MANE Select); coding-DNA position 3340, one base duplicated (A; older notation c.3340dupA).
Protein change: p.Met1114fs; shifts the reading frame from methionine 1114.
Molecular consequence: frameshift variant.
Genome position (GRCh38, 1-based): chr9:405,023, A duplicated. VCF-style (leftmost placement, unchanged base first): chr9-405022-T-TA. GRCh37 (hg19) VCF-style: chr9-405022-T-TA.
Other names: c.3040dup, p.Met1014fs (NM_001190458.2); c.3136dup, p.Met1046fs (NM_001193536.2); short protein forms M1046fs, M1014fs, M1114fs.
Identifiers: ClinVar variation 2817779 (VCV002817779.3), dbSNP rs2538663458, ClinGen allele CA2689206415.

ClinVar aggregate classification (germline): Pathogenic (1 of 4 stars; one submission).

Conditions:
Combined immunodeficiency due to DOCK8 deficiency (HIES2). Also called: HIES autosomal recessive; HYPER-IgE RECURRENT INFECTION SYNDROME 2, AUTOSOMAL RECESSIVE; HYPER-IgE SYNDROME 2, AUTOSOMAL RECESSIVE, WITH RECURRENT INFECTIONS; Hyper-IgE recurrent infection syndrome, autosomal recessive; DOCK8 Deficiency. Identifiers: Orphanet 217390, MedGen C4722305, MONDO:0009478, OMIM 243700.

Allele frequency attached by ClinVar (database versions not stated): gnomAD exomes below 0.00001.

Submission:

Labcorp Genetics (formerly Invitae), Labcorp
Classification: Pathogenic for Combined immunodeficiency due to DOCK8 deficiency. Last evaluated: 2023-06-27. Review status: criteria provided, single submitter. Criteria: Invitae Variant Classification Sherloc (09022015). Collection method: clinical testing. Allele origin: germline.
Comment: For these reasons, this variant has been classified as Pathogenic. This variant has not been reported in the literature in individuals affected with DOCK8-related conditions. This variant is not present in population databases (gnomAD no frequency). This sequence change creates a premature translational stop signal (p.Met1114Asnfs*4) in the DOCK8 gene. It is expected to result in an absent or disrupted protein product. Loss-of-function variants in DOCK8 are known to be pathogenic (PMID: 14722525, 19776401).

Literature cited by the submitters: PubMed 14722525; PubMed 19776401.